The following is an entry in ClinVar:

ClinVar aggregate classification (germline): Uncertain significance. Review status: criteria provided, multiple submitters, no conflicts (2 of 4 stars). 2 submissions from 2 submitters: Uncertain significance (2). Last evaluated 2024-03-15.

Conditions:
Inborn genetic diseases. Identifiers: MedGen C0950123, MeSH D030342.
Dyggve-Melchior-Clausen syndrome (DMC). Also called: Dyggve-Melchior-Clausen disease; DMC syndrome. Identifiers: Orphanet 239, MedGen C0265286, MONDO:0009130, OMIM 223800.

Allele frequency attached by ClinVar (database versions not stated): gnomAD 0.00001; gnomAD exomes 0.00002; TOPMed 0.00002.
gnomAD v4.1: 38 of 1,614,020 alleles (0.0024%); highest among the groups gnomAD compares: African/African-American, 0.0027%; no homozygotes.

Submissions (2):

Ambry Genetics
Classification: Uncertain significance for Inborn genetic diseases. Last evaluated: 2024-03-15. Review status: criteria provided, single submitter. Criteria: Ambry Variant Classification Scheme 2023. Collection method: clinical testing. Allele origin: germline.

Baylor Genetics
Classification: Uncertain significance for Dyggve-Melchior-Clausen syndrome. Last evaluated: 2018-02-21. Review status: criteria provided, single submitter. Criteria: ACMG Guidelines, 2015. Collection method: clinical testing. Allele origin: unknown. Affected: yes.
Comment: This variant was determined to be of uncertain significance according to ACMG Guidelines, 2015 [PMID:25741868].

NM_001353214.3(DYM):c.899C>T (p.Ala300Val)

Gene: DYM (dymeclin; minus strand). Cytogenetic location: 18q21.1.
Variant type: single nucleotide variant.
Coding change: c.899C>T on transcript NM_001353214.3 (MANE Select); coding-DNA position 899, C replaced by T.
Protein change: p.Ala300Val; replaces alanine 300 with valine.
Molecular consequence: missense variant. On other transcripts: intron variant (1).
Genome position (GRCh38, 1-based): chr18:49,286,481, G>A on the plus strand (C>T on the coding strand, the complement: DYM is on the minus strand). VCF-style: chr18-49286481-G-A. GRCh37 (hg19) VCF-style: chr18-46812851-G-A.
Other names: c.896C>T, p.Ala299Val (NM_001353210.3, NM_001353211.3, NM_001353212.3 and 3 more transcripts); c.899C>T, p.Ala300Val (NM_001353215.3, NM_001353216.3, NM_001374428.1 and 5 more transcripts); c.893C>T, p.Ala298Val (NM_001374429.1, NM_001374439.1); c.773C>T, p.Ala258Val (NM_001374432.1, NM_001374436.1); c.671C>T, p.Ala224Val (NM_001374440.1); c.329C>T, p.Ala110Val (NM_001374441.1, NM_001374442.1, NM_001374444.1); c.326C>T, p.Ala109Val (NM_001374443.1); c.764-4306C>T (NM_001374437.1); short protein forms A258V, A109V, A224V, A299V, A110V, A298V, A300V.
Identifiers: ClinVar variation 1033852 (VCV001033852.2), dbSNP rs781028696, ClinGen allele CA402508419.
Genomic context (GRCh38, chr18:49,286,481, plus strand): 5'-AAATACCACAAACCTTGTGTGTTCTTGAAGGACATAATGGCTTGTCTGTAGGGGTTTGGC[G>A]CATCTGAGGCATCTGTCAGATTGGCCAACACCAGCAGAAGCAGGAGACTCTGGTTGGCCA-3'
Protein context (NP_001340143.1, residues 290-310): VLANLTDASD[Ala300Val]PNPYRQAIMS